The following is an entry in ClinVar:

NM_006231.4(POLE):c.4576C>T (p.Leu1526Phe)

Gene: POLE (DNA polymerase epsilon, catalytic subunit; minus strand). Cytogenetic location: 12q24.33.
Variant type: single nucleotide variant.
Coding change: c.4576C>T on transcript NM_006231.4 (MANE Select); coding-DNA position 4576, C replaced by T.
Protein change: p.Leu1526Phe; replaces leucine 1526 with phenylalanine.
Molecular consequence: missense variant.
Genome position (GRCh38, 1-based): chr12:132,642,972, G>A on the plus strand (C>T on the coding strand, the complement: POLE is on the minus strand). VCF-style: chr12-132642972-G-A. GRCh37 (hg19) VCF-style: chr12-133219558-G-A.
Other names: short protein forms L1526F.
Identifiers: ClinVar variation 3935741 (VCV003935741.2).
Genomic context (GRCh38, chr12:132,642,972, plus strand): 5'-GGAGCTCAGGGCCCACCTTCTCCAGGAGGAGGCCGTGCTCTGCTGAGTACAGGGCGCCAA[G>A]GCTGGGCATCTGGTTGCTGCGCACCTAGACCAACGCAGGCCACGTCAGCCTCCCCCTGCG-3'
Protein context (NP_006222.2, residues 1516-1536): DTVRSNQMPS[Leu1526Phe]GALYSAEHGL

ClinVar aggregate classification (germline): Uncertain significance. Review status: criteria provided, multiple submitters, no conflicts (2 of 4 stars). 2 submissions from 2 submitters: Uncertain significance (2). Last evaluated 2025-05-05.

Conditions:
Hereditary cancer-predisposing syndrome. Also called: Tumor predisposition; Hereditary neoplastic syndrome; Hereditary Cancer Syndrome; Neoplastic Syndromes, Hereditary. Identifiers: Orphanet 140162, MedGen C0027672, MeSH D009386, MONDO:0015356.

Submissions (2):

Ambry Genetics
Classification: Uncertain significance for Hereditary cancer-predisposing syndrome. Last evaluated: 2025-05-05. Review status: criteria provided, single submitter. Criteria: Ambry Variant Classification Scheme 2023. Collection method: clinical testing. Allele origin: germline.
Comment: The p.L1526F variant (also known as c.4576C>T), located in coding exon 36 of the POLE gene, results from a C to T substitution at nucleotide position 4576. The leucine at codon 1526 is replaced by phenylalanine, an amino acid with highly similar properties. This amino acid position is highly conserved in available vertebrate species. In addition, the in silico prediction for this alteration is inconclusive. Based on the available evidence, the clinical significance of this variant remains unclear.

Labcorp Genetics (formerly Invitae), Labcorp
Classification: Uncertain significance. Last evaluated: 2025-03-02. Review status: criteria provided, single submitter. Criteria: Invitae Variant Classification Sherloc (09022015). Collection method: clinical testing. Allele origin: germline.
Comment: This sequence change replaces leucine, which is neutral and non-polar, with phenylalanine, which is neutral and non-polar, at codon 1526 of the POLE protein (p.Leu1526Phe). This variant is not present in population databases (gnomAD no frequency). This variant has not been reported in the literature in individuals affected with POLE-related conditions. Invitae Evidence Modeling of protein sequence and biophysical properties (such as structural, functional, and spatial information, amino acid conservation, physicochemical variation, residue mobility, and thermodynamic stability) indicates that this missense variant is not expected to disrupt POLE protein function with a negative predictive value of 80%. In summary, the available evidence is currently insufficient to determine the role of this variant in disease. Therefore, it has been classified as a Variant of Uncertain Significance.